The following is an entry in ClinVar:

ClinVar aggregate classification (germline): Pathogenic (1 of 4 stars; one submission).

Submission:

CeGaT Center for Human Genetics Tuebingen
Classification: Pathogenic. Last evaluated: 2025-06-01. Review status: criteria provided, single submitter. Criteria: CeGaT Center For Human Genetics Tuebingen Variant Classification Criteria Version 2. Collection method: clinical testing. Allele origin: germline. Affected: yes. Observed: 1 variant allele.
Comment: CFH: PVS1, PM2

NM_000186.4(CFH):c.882T>A (p.Cys294Ter)

Gene: CFH (complement factor H; plus strand). Cytogenetic location: 1q31.3.
Variant type: single nucleotide variant.
Coding change: c.882T>A on transcript NM_000186.4 (MANE Select); coding-DNA position 882, T replaced by A.
Protein change: p.Cys294Ter; replaces cysteine 294 with a stop codon.
Molecular consequence: nonsense.
Genome position (GRCh38, 1-based): chr1:196,685,155, T>A. VCF-style: chr1-196685155-T-A. GRCh37 (hg19) VCF-style: chr1-196654285-T-A.
Other names: c.882T>A, p.Cys294Ter (NM_001014975.3); short protein forms C294*.
Identifiers: ClinVar variation 4085222 (VCV004085222.8).